The following is an entry in ClinVar:

NM_000492.4(CFTR):c.3367+2T>C

Genes: CFTR (CF transmembrane conductance regulator; plus strand), CFTR-AS2 (CFTR antisense RNA 2; minus strand), LOC111674472 (DNase I hypersensitive sites in introns 16 and 17a of CFTR; plus strand). Cytogenetic location: 7q31.2.
Variant type: single nucleotide variant.
Coding change: c.3367+2T>C on transcript NM_000492.4 (MANE Select); the canonical splice donor site of the intron after coding-DNA position 3367, T replaced by C.
Molecular consequence: splice donor variant.
Genome position (GRCh38, 1-based): chr7:117,611,810, T>C. VCF-style: chr7-117611810-T-C. GRCh37 (hg19) VCF-style: chr7-117251864-T-C.
Identifiers: ClinVar variation 4818533 (VCV004818533.1), dbSNP rs397508544.
Genomic context (GRCh38, chr7:117,611,810, plus strand): 5'-AGAAATGATTTTTGTCATCTTCTTCATTGCTGTTACCTTCATTTCCATTTTAACAACAGG[T>C]ACTATGAACTCATTAACTTTAGCTAAGCATTTAAGTAAAAAATTTTCAATGAATAAAATG-3'

ClinVar aggregate classification (germline): Likely pathogenic (1 of 4 stars; one submission).

Conditions:
CFTR-related disorder (CFTR-RD). Also called: CFTR-related disorders; CFTR-related condition. Identifiers: MedGen C5924204, MONDO:7770004.

Submission:

Natera, Inc.
Classification: Likely pathogenic for CFTR-related disorders. Last evaluated: 2024-03-19. Review status: criteria provided, single submitter. Criteria: Natera Variant Classification Schema (03/2026). Collection method: clinical testing. Allele origin: germline.
Comment: The c.3367+2T>C variant in CFTR is a canonical splice donor site variant predicted to affect pre-mRNA splicing, which may result in an abnormal transcript and altered protein product. This variant is expected to result in nonsense mediated decay, truncation, or a dysfunctional protein product. This variant is rare in the general population with a frequency below the threshold expected for the associated phenotype(s). Given the available evidence, this variant is classified as Likely Pathogenic.